The following is an entry in ClinVar:

ClinVar aggregate classification (germline): Uncertain significance (1 of 4 stars; one submission).

Submission:

CeGaT Center for Human Genetics Tuebingen
Classification: Uncertain significance. Last evaluated: 2025-01-01. Review status: criteria provided, single submitter. Criteria: CeGaT Center For Human Genetics Tuebingen Variant Classification Criteria Version 2. Collection method: clinical testing. Allele origin: germline. Affected: yes. Observed: 1 variant allele.
Comment: EMD: PM2, PP3

NM_000117.3(EMD):c.58A>G (p.Asn20Asp)

Gene: EMD (emerin; plus strand). Cytogenetic location: Xq28.
Variant type: single nucleotide variant.
Coding change: c.58A>G on transcript NM_000117.3 (MANE Select); coding-DNA position 58, A replaced by G.
Protein change: p.Asn20Asp; replaces asparagine 20 with aspartic acid.
Molecular consequence: missense variant.
Genome position (GRCh38, 1-based): chrX:154,379,542, A>G. VCF-style: chrX-154379542-A-G. GRCh37 (hg19) VCF-style: chrX-153607902-A-G.
Other names: short protein forms N20D.
Identifiers: ClinVar variation 3772383 (VCV003772383.13).